The following is an entry in ClinVar:

ClinVar aggregate classification (germline): Uncertain significance (1 of 4 stars; one submission).

Conditions:
Rubinstein-Taybi syndrome due to CREBBP mutations (RSTS1). Also called: BROAD THUMBS AND GREAT TOES, CHARACTERISTIC FACIES, AND IMPAIRED INTELLECTUAL DEVELOPMENT; BROAD THUMB-HALLUX SYNDROME; Rubinstein-Taybi syndrome 1; RUBINSTEIN SYNDROME; CREBBP-Related Rubinstein-Taybi Syndrome; RUBINSTEIN-TAYBI SYNDROME 1, INCOMPLETE. Identifiers: Orphanet 353277, Orphanet 783, MedGen C4551859, MONDO:0008393, OMIM 180849.

Allele frequency attached by ClinVar (database versions not stated): gnomAD exomes below 0.00001; TOPMed below 0.00001.
gnomAD v4.1: 2 of 1,587,784 alleles (0.00013%); highest among the groups gnomAD compares: African/African-American, 0.0013%; no homozygotes.

Submission:

Johns Hopkins Genomics, Johns Hopkins University
Classification: Uncertain significance for Rubinstein-Taybi syndrome due to CREBBP mutations. Last evaluated: 2021-08-19. Review status: criteria provided, single submitter. Criteria: ACMG Guidelines, 2015. Collection method: clinical testing. Allele origin: germline.
Comment: This CREBBP variant (rs1282498604) is rare (<0.1%) in a large population dataset (gnomAD: 1/205274 total alleles; 0.0005%; no homozygotes) and has not been reported in ClinVar nor the literature, to our knowledge. Of three bioinformatics tools queried, two predict that the substitution would be damaging, while one predicts that it would be tolerated. The proline residue at this position is evolutionarily conserved across most species assessed. We consider the clinical significance of CREBBP c.6007C>T to be uncertain at this time.

Literature cited by the submitters: PubMed 29460469.

NM_004380.3(CREBBP):c.6007C>T (p.Pro2003Ser)

Gene: CREBBP (CREB binding lysine acetyltransferase; minus strand). Cytogenetic location: 16p13.3.
Variant type: single nucleotide variant.
Coding change: c.6007C>T on transcript NM_004380.3 (MANE Select); coding-DNA position 6007, C replaced by T.
Protein change: p.Pro2003Ser; replaces proline 2003 with serine.
Molecular consequence: missense variant.
Genome position (GRCh38, 1-based): chr16:3,729,040, G>A on the plus strand (C>T on the coding strand, the complement: CREBBP is on the minus strand). VCF-style: chr16-3729040-G-A. GRCh37 (hg19) VCF-style: chr16-3779041-G-A.
Other names: c.5893C>T, p.Pro1965Ser (NM_001079846.1); short protein forms P1965S, P2003S.
Identifiers: ClinVar variation 1275744 (VCV001275744.1), dbSNP rs1282498604, ClinGen allele CA394554626.